The following is an entry in ClinVar:

ClinVar aggregate classification (germline): Pathogenic/Likely pathogenic. Review status: criteria provided, multiple submitters, no conflicts (2 of 4 stars). 3 submissions from 3 submitters: Pathogenic (1); Likely pathogenic (2). Last evaluated 2025-10-23.

Conditions:
Neurofibromatosis, type 1 (NF1). Also called: NEUROFIBROMATOSIS, TYPE I, SOMATIC; Neurofibromatosis, type I; Peripheral type neurofibromatosis; VON RECKLINGHAUSEN DISEASE. Identifiers: Orphanet 636, MedGen C0027831, MONDO:0018975, OMIM 162200. Disease mechanism: loss of function.
Hereditary cancer-predisposing syndrome. Also called: Neoplastic Syndromes, Hereditary; Hereditary Cancer Syndrome; Tumor predisposition; Hereditary neoplastic syndrome. Identifiers: Orphanet 140162, MedGen C0027672, MeSH D009386, MONDO:0015356.
Cardiovascular phenotype. Identifiers: MedGen CN230736.

gnomAD v4.1: 1 of 1,614,170 alleles (0.000062%); no homozygotes.

Submissions (3):

Ambry Genetics
Classification: Likely pathogenic for Cardiovascular phenotype; Hereditary cancer-predisposing syndrome. Last evaluated: 2025-10-23. Review status: criteria provided, single submitter. Criteria: Ambry Variant Classification Scheme 2023. Collection method: clinical testing. Allele origin: germline.
Comment: The p.L1196P variant (also known as c.3587T>C), located in coding exon 27 of the NF1 gene, results from a T to C substitution at nucleotide position 3587. The leucine at codon 1196 is replaced by proline, an amino acid with similar properties. This variant was reported in individual(s) with features consistent with neurofibromatosis type1 (NF1) and/or Noonan syndrome; in at least one individual, it was determined to be de novo (Han, SA et al. J.Genet. Med. 2024 Jun; 21. 22-30; personal communication). Another variant at the same codon, p.L1196F (c.3586C>T), has been identified in individual(s) with features consistent with NF1 and/ or Noonan syndrome (Croonen EA et al. Clin. Dysmorphol. 2012 Oct;21:212-4; Ben-Shachar S et al. Eur. J. Hum. Genet. 2013 May;21:535-9; Cal&igrave; F et al. Eur J Med Genet. 2017 Feb;60:93-99; Kang E et al. J Hum Genet. 2020 Jan;65:79-89; Ambry internal data). This amino acid position is highly conserved in available vertebrate species. In addition, the in silico prediction for this alteration is inconclusive. This variant is considered to be rare based on population cohorts in the Genome Aggregation Database (gnomAD). Based on the majority of available evidence to date, this variant is likely to be pathogenic.

Labcorp Genetics (formerly Invitae), Labcorp
Classification: Pathogenic for Neurofibromatosis, type 1. Last evaluated: 2023-04-06. Review status: criteria provided, single submitter. Criteria: Invitae Variant Classification Sherloc (09022015). Collection method: clinical testing. Allele origin: germline.
Comment: This sequence change replaces leucine, which is neutral and non-polar, with proline, which is neutral and non-polar, at codon 1196 of the NF1 protein (p.Leu1196Pro). This variant is not present in population databases (gnomAD no frequency). This missense change has been observed in individual(s) with neurofibromatosis type 1 (Invitae). ClinVar contains an entry for this variant (Variation ID: 2028074). Advanced modeling of protein sequence and biophysical properties (such as structural, functional, and spatial information, amino acid conservation, physicochemical variation, residue mobility, and thermodynamic stability) performed at Invitae indicates that this missense variant is expected to disrupt NF1 protein function. This variant disrupts the p.Leu1196 amino acid residue in NF1. Other variant(s) that disrupt this residue have been determined to be pathogenic (PMID: 15060124, 17103458, 22664660, 23047742, 27838393; Invitae). This suggests that this residue is clinically significant, and that variants that disrupt this residue are likely to be disease-causing. For these reasons, this variant has been classified as Pathogenic.

GeneDx
Classification: Likely pathogenic. Last evaluated: 2022-10-14. Review status: criteria provided, single submitter. Criteria: GeneDx Variant Classification Process June 2021. Collection method: clinical testing. Allele origin: germline. Affected: yes.
Comment: Not observed at significant frequency in large population cohorts (gnomAD); In silico analysis supports that this missense variant has a deleterious effect on protein structure/function; Has not been previously published as pathogenic or benign to our knowledge; This variant is associated with the following publications: (PMID: 25486365, 2121369, 22807134)

Literature cited by the submitters: PubMed 15060124 (cited by Labcorp Genetics (formerly Invitae), Labcorp); PubMed 17103458 (cited by Labcorp Genetics (formerly Invitae), Labcorp); PubMed 22664660 (cited by Labcorp Genetics (formerly Invitae), Labcorp); PubMed 23047742 (cited by Labcorp Genetics (formerly Invitae), Labcorp); PubMed 27838393 (cited by Labcorp Genetics (formerly Invitae), Labcorp).

NM_001042492.3(NF1):c.3587T>C (p.Leu1196Pro)

Gene: NF1 (neurofibromin 1; plus strand). Cytogenetic location: 17q11.2.
Variant type: single nucleotide variant.
Coding change: c.3587T>C on transcript NM_001042492.3 (MANE Select); coding-DNA position 3587, T replaced by C.
Protein change: p.Leu1196Pro; replaces leucine 1196 with proline.
Molecular consequence: missense variant.
Genome position (GRCh38, 1-based): chr17:31,233,092, T>C. VCF-style: chr17-31233092-T-C. GRCh37 (hg19) VCF-style: chr17-29560110-T-C.
Other names: c.3587T>C, p.Leu1196Pro (NM_000267.4); short protein forms L1196P.
Identifiers: ClinVar variation 2028074 (VCV002028074.6), dbSNP rs199474741, ClinGen allele CA398990197.